The following is an entry in ClinVar:

ClinVar aggregate classification (germline): Benign. Review status: criteria provided, multiple submitters, no conflicts (2 of 4 stars). 6 submissions from 5 submitters: Benign (6). Last evaluated 2026-02-03.

Conditions:
Retinitis pigmentosa (RP). Identifiers: Orphanet 791, MedGen C0035334, MeSH D012174, MONDO:0019200, OMIM 268000. Inheritance: Autosomal dominant, autosomal recessive and X linked inheritance.
Retinal dystrophy. Also called: Inherited retinal dystrophy. Identifiers: Orphanet 71862, MedGen C0854723, MeSH D058499, MONDO:0019118, HP:0000556.
Leber congenital amaurosis 11 (LCA11). Identifiers: Orphanet 65, MedGen C1840284, MONDO:0013454, OMIM 613837.

Allele frequency attached by ClinVar (database versions not stated): ESP Exome Variant Server 0.24027; TOPMed 0.25193; gnomAD 0.26135; ExAC 0.26755; gnomAD exomes 0.27152; 1000 Genomes Project 0.27756; 1000 Genomes Project 30x 0.27780.
gnomAD v4.1: 426,384 of 1,613,136 alleles (26%); highest among the groups gnomAD compares: East Asian, 35%; 57,199 homozygotes.

Submissions (6):

Labcorp Genetics (formerly Invitae), Labcorp
Classification: Benign. Last evaluated: 2026-02-03. Review status: criteria provided, single submitter. Criteria: Invitae Variant Classification Sherloc (09022015). Collection method: clinical testing. Allele origin: germline.

Dept Of Ophthalmology, Nagoya University
Classification: Benign for Retinal dystrophy. Last evaluated: 2023-10-01. Review status: criteria provided, single submitter. Criteria: Submitter's publication. Collection method: research. Allele origin: germline. Affected: yes.

Illumina Laboratory Services, Illumina
Classification: Benign for Retinitis pigmentosa. Last evaluated: 2018-01-12. Review status: criteria provided, single submitter. Criteria: ICSL Variant Classification Criteria 13 December 2019. Collection method: clinical testing. Allele origin: germline.
Comment: This variant was observed in the ICSL laboratory as part of a predisposition screen in an ostensibly healthy population. It had not been previously curated by ICSL or reported in the Human Gene Mutation Database (HGMD: prior to June 1st, 2018), and was therefore a candidate for classification through an automated scoring system. Utilizing variant allele frequency, disease prevalence and penetrance estimates, and inheritance mode, an automated score was calculated to assess if this variant is too frequent to cause the disease. Based on the score and internal cut-off values, a variant classified as benign is not then subjected to further curation. The score for this variant resulted in a classification of benign for this disease.

Illumina Laboratory Services, Illumina
Classification: Benign for Leber congenital amaurosis 11. Last evaluated: 2018-01-12. Review status: criteria provided, single submitter. Criteria: ICSL Variant Classification Criteria 13 December 2019. Collection method: clinical testing. Allele origin: germline.
Comment: the same text as in the submission from Illumina Laboratory Services, Illumina above.

GeneDx
Classification: Benign. Last evaluated: 2015-03-03. Review status: criteria provided, single submitter. Criteria: GeneDx Variant Classification Process June 2021. Collection method: clinical testing. Allele origin: germline. Affected: yes.

Breakthrough Genomics
Classification: Benign. Review status: criteria provided, single submitter. Criteria: ACMG Guidelines, 2015. Collection method: not provided. Allele origin: germline. Inheritance: Autosomal dominant inheritance. Affected: yes.

NM_000883.4(IMPDH1):c.1575G>A (p.Ala525=)

Gene: IMPDH1 (inosine monophosphate dehydrogenase 1; minus strand). Cytogenetic location: 7q32.1.
Variant type: single nucleotide variant.
Coding change: c.1575G>A on transcript NM_000883.4 (MANE Select); coding-DNA position 1575, G replaced by A.
Protein change: p.Ala525=; no amino-acid change (alanine 525 retained).
Molecular consequence: synonymous variant.
Genome position (GRCh38, 1-based): chr7:128,394,575, C>T on the plus strand (G>A on the coding strand, the complement: IMPDH1 is on the minus strand). VCF-style: chr7-128394575-C-T. GRCh37 (hg19) VCF-style: chr7-128034629-C-T.
Other names: c.1545G>A, p.Ala515= (NM_001102605.2); c.1320G>A, p.Ala440= (NM_001142573.2); c.1305G>A, p.Ala435= (NM_001142574.2); c.1245G>A, p.Ala415= (NM_001142575.2); c.1476G>A, p.Ala492= (NM_001142576.2); c.1368G>A, p.Ala456= (NM_001304521.2); c.1467G>A, p.Ala489= (NM_183243.3).
Identifiers: ClinVar variation 358873 (VCV000358873.17), dbSNP rs2228075, ClinGen allele CA4470782.
Genomic context (GRCh38, chr7:128,394,575, plus strand): 5'-GAGGTAGGGCACGAACTTCTGAATGGATCCTTTGTCCTGGATGGAGCCCGAGACACCCTG[C>T]GCGATCTTCACTTTATCCCCCTCGCTGCGTGGAGGGTGGAAGACTGAGCCCAGCAGCTTG-3'
Protein context (NP_000874.2, residues 515-535): YFSEGDKVKI[Ala525=]QGVSGSIQDK